The following is an entry in ClinVar:

NM_177438.3(DICER1):c.4795C>T (p.Arg1599Trp)

Gene: DICER1 (dicer 1, ribonuclease III; minus strand). Cytogenetic location: 14q32.13.
Variant type: single nucleotide variant.
Coding change: c.4795C>T on transcript NM_177438.3 (MANE Select); coding-DNA position 4795, C replaced by T.
Protein change: p.Arg1599Trp; replaces arginine 1599 with tryptophan.
Molecular consequence: missense variant.
Genome position (GRCh38, 1-based): chr14:95,096,125, G>A on the plus strand (C>T on the coding strand, the complement: DICER1 is on the minus strand). VCF-style: chr14-95096125-G-A. GRCh37 (hg19) VCF-style: chr14-95562462-G-A.
Other names: c.4795C>T, p.Arg1599Trp (NM_001195573.1, NM_001271282.3, NM_001291628.2 and 1 more transcripts); short protein forms R1599W.
Identifiers: ClinVar variation 133972 (VCV000133972.24), dbSNP rs587778230, ClinGen allele CA158276.

ClinVar aggregate classification (germline): Conflicting classifications of pathogenicity. Review status: criteria provided, conflicting classifications (1 of 4 stars). 10 submissions from 10 submitters: Uncertain significance (8); Likely benign (1). 1 of the submissions does not count toward it. Last evaluated 2026-07-22.

Conditions:
DICER1-related disorder. Also called: DICER1-related condition.
Global developmental delay - lung cysts - overgrowth - Wilms tumor syndrome. Also called: GLOBAL DEVELOPMENTAL DELAY, LUNG CYSTS, OVERGROWTH, AND WILMS TUMOR; GLOW Syndrome. Identifiers: Orphanet 404476, MedGen C4748924, MONDO:0018445, OMIM 618272.
DICER1-related tumor predisposition. Also called: DICER1 syndrome; DICER1-related pleuropulmonary blastoma cancer predisposition syndrome. Identifiers: Orphanet 284343, MedGen C3839822, MONDO:0100216.
Hereditary cancer-predisposing syndrome. Also called: Neoplastic Syndromes, Hereditary; Tumor predisposition; Hereditary Cancer Syndrome; Hereditary neoplastic syndrome. Identifiers: Orphanet 140162, MedGen C0027672, MeSH D009386, MONDO:0015356.

gnomAD v4.1: 29 of 1,614,056 alleles (0.0018%); highest among the groups gnomAD compares: East Asian, 0.0022%; no homozygotes.

Submissions (10):

PreventionGenetics, part of Exact Sciences
Classification: Uncertain significance for DICER1-related condition. Last evaluated: 2026-07-22. Review status: criteria provided, single submitter. Criteria: ACMG Guidelines, 2015. Collection method: clinical testing. Allele origin: germline.
Comment: The DICER1 c.4795C>T variant is predicted to result in the amino acid substitution p.Arg1599Trp. This variant, referred to as s587778230, was identified in a family with colorectal cancer (Helgadottir et al. 2021. PubMed ID: 33729574). It is reported in 0.0054% of alleles in individuals of East Asian descent in gnomAD and has conflicting interpretations in ClinVar ranging from likely benign to uncertain (Variation ID: 133972). At this time, the clinical significance of this variant is uncertain due to the absence of conclusive functional and genetic evidence.

Labcorp Genetics (formerly Invitae), Labcorp
Classification: Likely benign for DICER1-related tumor predisposition. Last evaluated: 2025-12-14. Review status: criteria provided, single submitter. Criteria: Invitae Variant Classification Sherloc (09022015). Collection method: clinical testing. Allele origin: germline.

Hereditary Cancer Group, L’Institut d'Investigació Biomèdica de Bellvitge
Classification: Uncertain significance for Hereditary cancer-predisposing syndrome. Last evaluated: 2024-12-19. Review status: criteria provided, single submitter. Criteria: Hatton et al. (Hum Mutat. 2023). Collection method: clinical testing. Allele origin: germline. Inheritance: Autosomal dominant inheritance. Affected: yes.
Comment: BP4

Quest Diagnostics Nichols Institute San Juan Capistrano
Classification: Uncertain significance. Last evaluated: 2024-07-02. Review status: criteria provided, single submitter. Criteria: Quest Diagnostics criteria. Collection method: clinical testing. Allele origin: unknown.
Comment: The DICER1 c.4795C>T (p.Arg1599Trp) variant has been reported in the published literature in an individual with colorectal cancer (PMID: 33729574 (2021)) as well as in a reportedly healthy individual (PMID: 24728327 (2014)). The frequency of this variant in the general population, 0.000012 (3/251348 chromosomes (Genome Aggregation Database)), is uninformative in the assessment of its pathogenicity. Analysis of this variant using bioinformatics tools for the prediction of the effect of amino acid changes on protein structure and function yielded predictions that this variant is benign. Based on the available information, we are unable to determine the clinical significance of this variant.

Ambry Genetics
Classification: Uncertain significance for Hereditary cancer-predisposing syndrome. Last evaluated: 2024-06-04. Review status: criteria provided, single submitter. Criteria: Ambry Variant Classification Scheme 2023. Collection method: clinical testing. Allele origin: germline.
Comment: The p.R1599W variant (also known as c.4795C>T), located in coding exon 22 of the DICER1 gene, results from a C to T substitution at nucleotide position 4795. The arginine at codon 1599 is replaced by tryptophan, an amino acid with dissimilar properties. This amino acid position is not well conserved in available vertebrate species. In addition, this alteration is predicted to be tolerated by in silico analysis. Since supporting evidence is limited at this time, the clinical significance of this alteration remains unclear.

GeneDx
Classification: Uncertain significance. Last evaluated: 2023-09-22. Review status: criteria provided, single submitter. Criteria: GeneDx Variant Classification Process June 2021. Collection method: clinical testing. Allele origin: germline. Affected: yes.
Comment: Not observed at significant frequency in large population cohorts (gnomAD); In silico analysis supports that this missense variant does not alter protein structure/function; Observed in an individual with colorectal cancer (Helgadottir et al., 2021); This variant is associated with the following publications: (PMID: 24728327, 33729574)

Baylor Genetics
Classification: Uncertain significance for Global developmental delay - lung cysts - overgrowth - Wilms tumor syndrome. Last evaluated: 2023-07-01. Review status: criteria provided, single submitter. Criteria: ACMG Guidelines, 2015. Collection method: clinical testing. Allele origin: unknown.

Sema4
Classification: Uncertain significance for Hereditary cancer-predisposing syndrome. Last evaluated: 2021-12-13. Review status: criteria provided, single submitter. Criteria: Sema4 Curation Guidelines. Collection method: curation. Allele origin: germline.
Comment: The DICER1 c.4795C>T (p.R1599W) variant has been reported in heterozygosity in at least 1 individual with colorectal cancer (PMID: 33729574), however it was also reported in 1 control (PMID: 24728327). This variant was observed in 1/18394 chromosomes in the East Asian population, according to the Genome Aggregation Database (PMID: 32461654). This variant has been reported in ClinVar (Variation ID: 133972). Functional studies have not been performed, and in silico predictions of the variant's effect on protein function are inconclusive. The evidence is insufficient to meet ACMG/AMP criteria for classifying the variant as benign or pathogenic. Thus, the clinical significance of this variant is currently uncertain.

Illumina Laboratory Services, Illumina
Classification: Uncertain significance for Pleuropulmonary blastoma. Last evaluated: 2018-03-30. Review status: criteria provided, single submitter. Criteria: ICSL Variant Classification Criteria 13 December 2019. Collection method: clinical testing. Allele origin: germline.

ITMI
No classification provided. Condition: AllHighlyPenetrant. Last evaluated: 2013-09-19. Review status: no classification provided. Collection method: reference population. Allele origin: germline. Not counted in ClinVar's aggregate classification.
Comment: Please see associated publication for description of ethnicities

Literature cited by the submitters: PubMed 33729574 (cited by Quest Diagnostics Nichols Institute San Juan Capistrano and Sema4); PubMed 24728327 (cited by 3 submitters).